The following is an entry in ClinVar:

ClinVar aggregate classification (germline): Uncertain significance (1 of 4 stars; one submission).

Conditions:
Hereditary cancer-predisposing syndrome. Also called: Tumor predisposition; Hereditary neoplastic syndrome; Hereditary Cancer Syndrome; Neoplastic Syndromes, Hereditary. Identifiers: Orphanet 140162, MedGen C0027672, MeSH D009386, MONDO:0015356.

Submission:

Color Diagnostics, LLC DBA Color Health
Classification: Uncertain significance for Hereditary cancer-predisposing syndrome. Last evaluated: 2024-03-06. Review status: criteria provided, single submitter. Criteria: ACMG Guidelines, 2015. Collection method: clinical testing. Allele origin: germline.
Comment: This missense variant replaces aspartic acid with glycine at codon 904 of the BRIP1 protein. Computational prediction suggests that this variant may not impact protein structure and function (internally defined REVEL score threshold <= 0.5, PMID: 27666373). To our knowledge, functional studies have not been reported for this variant. This variant has not been reported in individuals affected with hereditary cancer in the literature. This variant has not been identified in the general population by the Genome Aggregation Database (gnomAD). The available evidence is insufficient to determine the role of this variant in disease conclusively. Therefore, this variant is classified as a Variant of Uncertain Significance.

NM_032043.3(BRIP1):c.2711A>G (p.Asp904Gly)

Gene: BRIP1 (BRCA1 interacting DNA helicase 1; minus strand). Cytogenetic location: 17q23.2.
Variant type: single nucleotide variant.
Coding change: c.2711A>G on transcript NM_032043.3 (MANE Select); coding-DNA position 2711, A replaced by G.
Protein change: p.Asp904Gly; replaces aspartic acid 904 with glycine.
Molecular consequence: missense variant.
Genome position (GRCh38, 1-based): chr17:61,686,030, T>C on the plus strand (A>G on the coding strand, the complement: BRIP1 is on the minus strand). VCF-style: chr17-61686030-T-C. GRCh37 (hg19) VCF-style: chr17-59763391-T-C.
Other names: short protein forms D904G.
Identifiers: ClinVar variation 1171430 (VCV001171430.3), dbSNP rs2144114314, ClinGen allele CA400481688.